The following is an entry in ClinVar:

NM_003482.4(KMT2D):c.10445G>A (p.Arg3482Gln)

Gene: KMT2D (lysine methyltransferase 2D; minus strand). Cytogenetic location: 12q13.12.
Variant type: single nucleotide variant.
Coding change: c.10445G>A on transcript NM_003482.4 (MANE Select); coding-DNA position 10445, G replaced by A.
Protein change: p.Arg3482Gln; replaces arginine 3482 with glutamine.
Molecular consequence: missense variant.
Genome position (GRCh38, 1-based): chr12:49,034,472, C>T on the plus strand (G>A on the coding strand, the complement: KMT2D is on the minus strand). VCF-style: chr12-49034472-C-T. GRCh37 (hg19) VCF-style: chr12-49428255-C-T.
Other names: c.10445G>A (NM_003482.3); short protein forms R3482Q.
Identifiers: ClinVar variation 445622 (VCV000445622.10), dbSNP rs371223664, ClinGen allele CA6546500.

ClinVar aggregate classification (germline): Conflicting classifications of pathogenicity. Review status: criteria provided, conflicting classifications (1 of 4 stars). 5 submissions from 5 submitters: Uncertain significance (1); Benign (1); Likely benign (3). Last evaluated 2026-08-11.

Conditions:
KMT2D-related disorder. Also called: KMT2D-Related Disorders.
Inborn genetic diseases. Identifiers: MedGen C0950123, MeSH D030342.
Kabuki syndrome. Also called: NIIKAWA-KUROKI SYNDROME; Kabuki make-up syndrome. Identifiers: Orphanet 2322, MedGen C0796004, MONDO:0016512.

Allele frequency attached by ClinVar (database versions not stated): gnomAD exomes 0.00003 and 0.00005; ExAC 0.00007; ESP Exome Variant Server 0.00008; gnomAD 0.00009; TOPMed 0.00015.
gnomAD v4.1: 58 of 1,613,512 alleles (0.0036%); highest among the groups gnomAD compares: African/African-American, 0.023%; no homozygotes.

Submissions (5):

PreventionGenetics, part of Exact Sciences
Classification: Likely benign for KMT2D-related condition. Last evaluated: 2026-08-11. Review status: criteria provided, single submitter. Criteria: ACMG Guidelines, 2015. Collection method: clinical testing. Allele origin: germline.
Comment: This variant is classified as likely benign based on ACMG/AMP sequence variant interpretation guidelines (Richards et al. 2015 PMID: 25741868, with internal and published modifications).

Labcorp Genetics (formerly Invitae), Labcorp
Classification: Benign for Kabuki syndrome. Last evaluated: 2025-10-27. Review status: criteria provided, single submitter. Criteria: Invitae Variant Classification Sherloc (09022015). Collection method: clinical testing. Allele origin: germline.

Blueprint Genetics
Classification: Likely benign. Last evaluated: 2024-07-15. Review status: criteria provided, single submitter. Criteria: ACMG Guidelines, 2015. Collection method: clinical testing. Allele origin: germline.

Ambry Genetics
Classification: Likely benign for Inborn genetic diseases. Last evaluated: 2021-07-09. Review status: criteria provided, single submitter. Criteria: Ambry Variant Classification Scheme 2023. Collection method: clinical testing. Allele origin: germline.

Center for Pediatric Genomic Medicine, Children's Mercy Hospital and Clinics
Classification: Uncertain significance. Last evaluated: 2017-05-19. Review status: criteria provided, single submitter. Criteria: ACMG Guidelines, 2015. Collection method: clinical testing. Allele origin: germline.